The following is an entry in ClinVar:

NM_020778.5(ALPK3):c.2773C>T (p.Pro925Ser)

Gene: ALPK3 (alpha kinase 3; plus strand). Cytogenetic location: 15q25.3.
Variant type: single nucleotide variant.
Coding change: c.2773C>T on transcript NM_020778.5 (MANE Select); coding-DNA position 2773, C replaced by T.
Protein change: p.Pro925Ser; replaces proline 925 with serine.
Molecular consequence: missense variant.
Genome position (GRCh38, 1-based): chr15:84,857,511, C>T. VCF-style: chr15-84857511-C-T. GRCh37 (hg19) VCF-style: chr15-85400742-C-T.
Other names: short protein forms P925S.
Identifiers: ClinVar variation 3605058 (VCV003605058.2).

ClinVar aggregate classification (germline): Uncertain significance (1 of 4 stars; one submission).

Submission:

Labcorp Genetics (formerly Invitae), Labcorp
Classification: Uncertain significance. Last evaluated: 2024-07-21. Review status: criteria provided, single submitter. Criteria: Invitae Variant Classification Sherloc (09022015). Collection method: clinical testing. Allele origin: germline.
Comment: This sequence change replaces proline, which is neutral and non-polar, with serine, which is neutral and polar, at codon 1127 of the ALPK3 protein (p.Pro1127Ser). This variant is not present in population databases (gnomAD no frequency). This variant has not been reported in the literature in individuals affected with ALPK3-related conditions. An algorithm developed to predict the effect of missense changes on protein structure and function outputs the following: PolyPhen-2: "Benign". The serine amino acid residue is found in multiple mammalian species, which suggests that this missense change does not adversely affect protein function. In summary, the available evidence is currently insufficient to determine the role of this variant in disease. Therefore, it has been classified as a Variant of Uncertain Significance.